The following is an entry in ClinVar:

NM_004168.4(SDHA):c.844A>G (p.Arg282Gly)

Gene: SDHA (succinate dehydrogenase complex flavoprotein subunit A; plus strand). Cytogenetic location: 5p15.33.
Variant type: single nucleotide variant.
Coding change: c.844A>G on transcript NM_004168.4 (MANE Select); coding-DNA position 844, A replaced by G.
Protein change: p.Arg282Gly; replaces arginine 282 with glycine.
Molecular consequence: missense variant.
Genome position (GRCh38, 1-based): chr5:230,949, A>G. VCF-style: chr5-230949-A-G. GRCh37 (hg19) VCF-style: chr5-231064-A-G.
Other names: c.844A>G (NM_004168.2); c.700A>G, p.Arg234Gly (NM_001294332.2); c.844A>G, p.Arg282Gly (NM_001330758.2); short protein forms R282G, R234G.
Identifiers: ClinVar variation 472410 (VCV000472410.11), dbSNP rs1553998658, ClinGen allele CA359011802.

ClinVar aggregate classification (germline): Uncertain significance. Review status: criteria provided, multiple submitters, no conflicts (2 of 4 stars). 3 submissions from 3 submitters: Uncertain significance (3). Last evaluated 2025-05-20.

Conditions:
Mitochondrial complex II deficiency, nuclear type 1. Also called: SUCCINATE CoQ REDUCTASE DEFICIENCY. Identifiers: Orphanet 3208, MedGen C5700310, MONDO:0100294, OMIM 252011.
Pheochromocytoma/paraganglioma syndrome 5. Also called: Paragangliomas 5; SDHA-Related Hereditary Paraganglioma-Pheochromocytoma Syndrome. Identifiers: Orphanet 29072, MedGen C3279992, MONDO:0013602, OMIM 614165.
Hereditary cancer-predisposing syndrome. Also called: Neoplastic Syndromes, Hereditary; Hereditary Cancer Syndrome; Hereditary neoplastic syndrome; Tumor predisposition. Identifiers: Orphanet 140162, MedGen C0027672, MeSH D009386, MONDO:0015356.

Submissions (3):

Quest Diagnostics Nichols Institute San Juan Capistrano
Classification: Uncertain significance. Last evaluated: 2025-05-20. Review status: criteria provided, single submitter. Criteria: Quest Diagnostics criteria. Collection method: clinical testing. Allele origin: unknown.
Comment: The SDHA c.844A>G (p.Arg282Gly) variant has been reported in the published literature in an individual with pheochromocytomas (PHEOs) and/or paragangliomas (PGLs) (PMID: 34750850 (2022)). This variant has not been reported in large, multi-ethnic general populations (Genome Aggregation Database). Analysis of this variant using bioinformatics tools for the prediction of the effect of amino acid changes on protein structure and function yielded predictions that this variant is damaging. Based on the available information, we are unable to determine the clinical significance of this variant.

Ambry Genetics
Classification: Uncertain significance for Hereditary cancer-predisposing syndrome. Last evaluated: 2024-12-14. Review status: criteria provided, single submitter. Criteria: Ambry Variant Classification Scheme 2023. Collection method: clinical testing. Allele origin: germline.
Comment: The p.R282G variant (also known as c.844A>G), located in coding exon 7 of the SDHA gene, results from an A to G substitution at nucleotide position 844. The arginine at codon 282 is replaced by glycine, an amino acid with dissimilar properties. This alteration was identified in an individual diagnosed with a paraganglioma (Parisien-La Salle S et al. Clin Endocrinol (Oxf), 2022 Jun;96:803-811). This amino acid position is highly conserved in available vertebrate species. In addition, this alteration is predicted to be deleterious by in silico analysis. Based on the available evidence, the clinical significance of this variant remains unclear.

Labcorp Genetics (formerly Invitae), Labcorp
Classification: Uncertain significance for Pheochromocytoma/paraganglioma syndrome 5; Mitochondrial complex II deficiency, nuclear type 1. Last evaluated: 2017-06-08. Review status: criteria provided, single submitter. Criteria: Invitae Variant Classification Sherloc (09022015). Collection method: clinical testing. Allele origin: germline.
Comment: In summary, this variant has uncertain impact on SDHA function. The available evidence is currently insufficient to determine its role in disease. Therefore, it has been classified as a Variant of Uncertain Significance. Algorithms developed to predict the effect of missense changes on protein structure and function (SIFT, PolyPhen-2, Align-GVGD) all suggest that this variant is likely to be disruptive, but these predictions have not been confirmed by published functional studies and their clinical significance is uncertain. This variant has not been reported in the literature in individuals with a SDHA-related disease. This variant is not present in population databases (ExAC no frequency). This sequence change replaces arginine with glycine at codon 282 of the SDHA protein (p.Arg282Gly). The arginine residue is highly conserved and there is a moderate physicochemical difference between arginine and glycine.

Literature cited by the submitters: PubMed 34750850 (cited by Quest Diagnostics Nichols Institute San Juan Capistrano and Ambry Genetics).